The following is an entry in ClinVar:

NM_000136.3(FANCC):c.993G>T (p.Lys331Asn)

Genes: AOPEP (aminopeptidase O (putative); plus strand), FANCC (FA complementation group C; minus strand). Cytogenetic location: 9q22.32.
Variant type: single nucleotide variant.
Coding change: c.993G>T on transcript NM_000136.3 (MANE Select); coding-DNA position 993, G replaced by T.
Protein change: p.Lys331Asn; replaces lysine 331 with asparagine.
Molecular consequence: missense variant.
Genome position (GRCh38, 1-based): chr9:95,125,089, C>A on the plus strand (G>T on the coding strand, the complement: FANCC is on the minus strand). VCF-style: chr9-95125089-C-A. GRCh37 (hg19) VCF-style: chr9-97887371-C-A.
Other names: c.993G>T, p.Lys331Asn (NM_001243743.2, NM_001243744.2); short protein forms K331N.
Identifiers: ClinVar variation 3277630 (VCV003277630.1).

ClinVar aggregate classification (germline): Uncertain significance (1 of 4 stars; one submission).

Conditions:
Hereditary cancer-predisposing syndrome. Also called: Tumor predisposition; Hereditary Cancer Syndrome; Hereditary neoplastic syndrome; Neoplastic Syndromes, Hereditary. Identifiers: Orphanet 140162, MedGen C0027672, MeSH D009386, MONDO:0015356.

Submission:

Ambry Genetics
Classification: Uncertain significance for Hereditary cancer-predisposing syndrome. Last evaluated: 2024-04-01. Review status: criteria provided, single submitter. Criteria: Ambry Variant Classification Scheme 2023. Collection method: clinical testing. Allele origin: germline.
Comment: The p.K331N variant (also known as c.993G>T), located in coding exon 9 of the FANCC gene, results from a G to T substitution at nucleotide position 993. The lysine at codon 331 is replaced by asparagine, an amino acid with similar properties. This amino acid position is conserved. In addition, this alteration is predicted to be tolerated by in silico analysis. Based on the available evidence, the clinical significance of this alteration remains unclear.